The following is an entry in ClinVar:

ClinVar aggregate classification (germline): Uncertain significance (1 of 4 stars; one submission).

Submission:

Labcorp Genetics (formerly Invitae), Labcorp
Classification: Uncertain significance. Last evaluated: 2022-09-13. Review status: criteria provided, single submitter. Criteria: Invitae Variant Classification Sherloc (09022015). Collection method: clinical testing. Allele origin: germline.
Comment: This sequence change replaces lysine, which is basic and polar, with methionine, which is neutral and non-polar, at codon 1446 of the NEXMIF protein (p.Lys1446Met). This variant is not present in population databases (gnomAD no frequency). This variant has not been reported in the literature in individuals affected with NEXMIF-related conditions. Algorithms developed to predict the effect of missense changes on protein structure and function (SIFT, PolyPhen-2, Align-GVGD) all suggest that this variant is likely to be disruptive. In summary, the available evidence is currently insufficient to determine the role of this variant in disease. Therefore, it has been classified as a Variant of Uncertain Significance.

NM_001008537.3(NEXMIF):c.4337A>T (p.Lys1446Met)

Gene: NEXMIF (neurite extension and migration factor; minus strand). Cytogenetic location: Xq13.3.
Variant type: single nucleotide variant.
Coding change: c.4337A>T on transcript NM_001008537.3 (MANE Select); coding-DNA position 4337, A replaced by T.
Protein change: p.Lys1446Met; replaces lysine 1446 with methionine.
Molecular consequence: missense variant.
Genome position (GRCh38, 1-based): chrX:74,740,220, T>A on the plus strand (A>T on the coding strand, the complement: NEXMIF is on the minus strand). VCF-style: chrX-74740220-T-A. GRCh37 (hg19) VCF-style: chrX-73960055-T-A.
Other names: short protein forms K1446M.
Identifiers: ClinVar variation 2030196 (VCV002030196.4), dbSNP rs771736722, ClinGen allele CA413663503.